The following is an entry in ClinVar:

NM_013266.4(CTNNA3):c.872T>C (p.Val291Ala)

Gene: CTNNA3 (catenin alpha 3; minus strand). Cytogenetic location: 10q21.3.
Variant type: single nucleotide variant.
Coding change: c.872T>C on transcript NM_013266.4 (MANE Select); coding-DNA position 872, T replaced by C.
Protein change: p.Val291Ala; replaces valine 291 with alanine.
Molecular consequence: missense variant.
Genome position (GRCh38, 1-based): chr10:67,180,492, A>G on the plus strand (T>C on the coding strand, the complement: CTNNA3 is on the minus strand). VCF-style: chr10-67180492-A-G. GRCh37 (hg19) VCF-style: chr10-68940250-A-G.
Other names: c.872T>C, p.Val291Ala (NM_001127384.3); c.908T>C, p.Val303Ala (NM_001291133.2); short protein forms V303A, V291A.
Identifiers: ClinVar variation 2626577 (VCV002626577.2), dbSNP rs2547990765, ClinGen allele CA377097065.

ClinVar aggregate classification (germline): Uncertain significance (1 of 4 stars; one submission).

Submission:

Ambry Genetics
Classification: Uncertain significance. Last evaluated: 2023-08-13. Review status: criteria provided, single submitter. Criteria: Ambry Variant Classification Scheme 2023. Collection method: clinical testing. Allele origin: germline.
Comment: The p.V291A variant (also known as c.872T>C), located in coding exon 6 of the CTNNA3 gene, results from a T to C substitution at nucleotide position 872. The valine at codon 291 is replaced by alanine, an amino acid with similar properties. This amino acid position is conserved. In addition, this alteration is predicted to be tolerated by in silico analysis. Since supporting evidence is limited at this time, the clinical significance of this alteration remains unclear.